The following is an entry in ClinVar:

ClinVar aggregate classification (germline): Uncertain significance (1 of 4 stars; one submission).

Submission:

GeneDx
Classification: Uncertain significance. Last evaluated: 2025-05-24. Review status: criteria provided, single submitter. Criteria: GeneDx Variant Classification Process June 2021. Collection method: clinical testing. Allele origin: germline. Affected: yes.
Comment: Not observed at significant frequency in large population cohorts (gnomAD); In silico analysis suggests that this missense variant does not alter protein structure/function; Has not been previously published as pathogenic or benign to our knowledge; In silico analysis is inconclusive as to whether the variant alters gene splicing. In the absence of RNA/functional studies, the actual effect of this sequence change is unknown.

NM_001286.5(CLCN6):c.453G>T (p.Glu151Asp)

Gene: CLCN6 (chloride voltage-gated channel 6; plus strand). Cytogenetic location: 1p36.22.
Variant type: single nucleotide variant.
Coding change: c.453G>T on transcript NM_001286.5 (MANE Select); coding-DNA position 453, G replaced by T.
Protein change: p.Glu151Asp; replaces glutamic acid 151 with aspartic acid.
Molecular consequence: missense variant. On other transcripts: non-coding transcript variant (1).
Genome position (GRCh38, 1-based): chr1:11,822,801, G>T. VCF-style: chr1-11822801-G-T. GRCh37 (hg19) VCF-style: chr1-11882858-G-T.
Other names: c.387G>T, p.Glu129Asp (NM_001256959.2); short protein forms E129D, E151D.
Identifiers: ClinVar variation 4530753 (VCV004530753.1).